The following is an entry in ClinVar:

NM_017780.4(CHD7):c.661A>G (p.Asn221Asp)

Gene: CHD7 (chromodomain helicase DNA binding protein 7; plus strand). Cytogenetic location: 8q12.2.
Variant type: single nucleotide variant.
Coding change: c.661A>G on transcript NM_017780.4 (MANE Select); coding-DNA position 661, A replaced by G.
Protein change: p.Asn221Asp; replaces asparagine 221 with aspartic acid.
Molecular consequence: missense variant.
Genome position (GRCh38, 1-based): chr8:60,742,093, A>G. VCF-style: chr8-60742093-A-G. GRCh37 (hg19) VCF-style: chr8-61654652-A-G.
Other names: c.661A>G, p.Asn221Asp (NM_001316690.1); short protein forms N221D.
Identifiers: ClinVar variation 1059726 (VCV001059726.11), dbSNP rs979421697, ClinGen allele CA177312901.

ClinVar aggregate classification (germline): Uncertain significance. Review status: criteria provided, multiple submitters, no conflicts (2 of 4 stars). 2 submissions from 2 submitters: Uncertain significance (2). Last evaluated 2025-05-21.

Conditions:
CHARGE syndrome (CHARGE). Also called: Hittner Hirsch Kreh syndrome; CHARGE ASSOCIATION--COLOBOMA, HEART ANOMALY, CHOANAL ATRESIA, RETARDATION, GENITAL AND EAR ANOMALIES; Coloboma, heart anomaly, choanal atresia, retardation, genital and ear anomalies; CHARGE association; Hall-Hittner syndrome. Identifiers: Orphanet 138, MedGen C0265354, MONDO:0008965.

Submissions (2):

Revvity Omics, Revvity
Classification: Uncertain significance. Last evaluated: 2025-05-21. Review status: criteria provided, single submitter. Criteria: ACMG Guidelines, 2015. Collection method: clinical testing. Allele origin: germline.

Labcorp Genetics (formerly Invitae), Labcorp
Classification: Uncertain significance for CHARGE syndrome. Last evaluated: 2024-10-29. Review status: criteria provided, single submitter. Criteria: Invitae Variant Classification Sherloc (09022015). Collection method: clinical testing. Allele origin: germline.
Comment: This sequence change replaces asparagine, which is neutral and polar, with aspartic acid, which is acidic and polar, at codon 221 of the CHD7 protein (p.Asn221Asp). This variant is not present in population databases (gnomAD no frequency). This variant has not been reported in the literature in individuals affected with CHD7-related conditions. ClinVar contains an entry for this variant (Variation ID: 1059726). Invitae Evidence Modeling of protein sequence and biophysical properties (such as structural, functional, and spatial information, amino acid conservation, physicochemical variation, residue mobility, and thermodynamic stability) indicates that this missense variant is not expected to disrupt CHD7 protein function with a negative predictive value of 95%. In summary, the available evidence is currently insufficient to determine the role of this variant in disease. Therefore, it has been classified as a Variant of Uncertain Significance.